The following is an entry in ClinVar:

ClinVar aggregate classification (germline): Uncertain significance (1 of 4 stars; one submission).

Allele frequency attached by ClinVar (database versions not stated): gnomAD 0.00001.
gnomAD v4.1: 1 of 1,613,928 alleles (0.000062%); highest among the groups gnomAD compares: Non-Finnish European, 0.000085%; no homozygotes.

Submission:

Labcorp Genetics (formerly Invitae), Labcorp
Classification: Uncertain significance. Last evaluated: 2023-09-08. Review status: criteria provided, single submitter. Criteria: Invitae Variant Classification Sherloc (09022015). Collection method: clinical testing. Allele origin: germline.
Comment: In summary, the available evidence is currently insufficient to determine the role of this variant in disease. Therefore, it has been classified as a Variant of Uncertain Significance. An algorithm developed to predict the effect of missense changes on protein structure and function (PolyPhen-2) suggests that this variant is likely to be disruptive. This variant has not been reported in the literature in individuals affected with FNIP1-related conditions. This variant is present in population databases (no rsID available, gnomAD 0.007%). This sequence change replaces glycine, which is neutral and non-polar, with arginine, which is basic and polar, at codon 245 of the FNIP1 protein (p.Gly245Arg).

NM_133372.3(FNIP1):c.733G>A (p.Gly245Arg)

Gene: FNIP1 (folliculin interacting protein 1; minus strand). Cytogenetic location: 5q31.1.
Variant type: single nucleotide variant.
Coding change: c.733G>A on transcript NM_133372.3 (MANE Select); coding-DNA position 733, G replaced by A.
Protein change: p.Gly245Arg; replaces glycine 245 with arginine.
Molecular consequence: missense variant.
Genome position (GRCh38, 1-based): chr5:131,709,246, C>T on the plus strand (G>A on the coding strand, the complement: FNIP1 is on the minus strand). VCF-style: chr5-131709246-C-T. GRCh37 (hg19) VCF-style: chr5-131044939-C-T.
Other names: c.649G>A, p.Gly217Arg (NM_001008738.3); c.733G>A, p.Gly245Arg (NM_001346113.2); c.598G>A, p.Gly200Arg (NM_001346114.2); short protein forms G245R, G200R, G217R.
Identifiers: ClinVar variation 2751144 (VCV002751144.3), dbSNP rs1445936283, ClinGen allele CA360800814.